The following is an entry in ClinVar:

NM_000204.5(CFI):c.612G>A (p.Met204Ile)

Gene: CFI (complement factor I; minus strand). Cytogenetic location: 4q25.
Variant type: single nucleotide variant.
Coding change: c.612G>A on transcript NM_000204.5 (MANE Select); coding-DNA position 612, G replaced by A.
Protein change: p.Met204Ile; replaces methionine 204 with isoleucine.
Molecular consequence: missense variant. On other transcripts: initiator codon variant (1), non-coding transcript variant (3).
Genome position (GRCh38, 1-based): chr4:109,761,563, C>T on the plus strand (G>A on the coding strand, the complement: CFI is on the minus strand). VCF-style: chr4-109761563-C-T. GRCh37 (hg19) VCF-style: chr4-110682719-C-T.
Other names: c.612G>A, p.Met204Ile (NM_001318057.2, NM_001331035.2, NM_001375278.1 and 5 more transcripts); c.3G>A, p.Met1Ile (NM_001375284.1); c.612G>A (NM_000204.4); short protein forms M204I, M1I.
Identifiers: ClinVar variation 2203562 (VCV002203562.8), dbSNP rs150082318, ClinGen allele CA103696022.

ClinVar aggregate classification (germline): Uncertain significance. Review status: criteria provided, multiple submitters, no conflicts (2 of 4 stars). 4 submissions from 4 submitters: Uncertain significance (4). Last evaluated 2025-09-26.

Conditions:
Factor I deficiency (CFID). Also called: Complement factor I deficiency. Identifiers: Orphanet 200418, MedGen C3463916, MONDO:0012594, OMIM 610984.
Atypical hemolytic-uremic syndrome. Identifiers: Orphanet 2134, MedGen C2931788, MONDO:0016244.
Age related macular degeneration 13. Identifiers: MedGen C3809523, MONDO:0014189, OMIM 615439.
Atypical hemolytic-uremic syndrome with I factor anomaly. Also called: AHUS, SUSCEPTIBILITY TO, 3; HEMOLYTIC UREMIC SYNDROME, ATYPICAL, SUSCEPTIBILITY TO, 3. Identifiers: Orphanet 2134, MedGen C2752039, MONDO:0013041, OMIM 612923.

Allele frequency attached by ClinVar (database versions not stated): TOPMed 0.00002; gnomAD 0.00004; ESP Exome Variant Server 0.00008; 1000 Genomes Project 30x 0.00016; 1000 Genomes Project 0.00020.
gnomAD v4.1: 8 of 1,614,072 alleles (0.0005%); highest among the groups gnomAD compares: African/African-American, 0.0093%; no homozygotes.

Submissions (4):

Genomenon, Inc
Classification: Uncertain significance for Atypical hemolytic-uremic syndrome. Last evaluated: 2025-09-26. Review status: criteria provided, single submitter. Criteria: Genomenon Sequence Variant Interpretation Standards - Updated. Collection method: curation. Allele origin: germline. Affected: yes.
Comment: CFI p.Met204Ile (c.612G>A) is a missense variant that changes the amino acid at residue 204 from Methionine to Isoleucine. This variant has been observed in at least one proband affected with atypical hemolytic-uremic syndrome (PMID:27268256). It is absent or not present at a significant frequency in gnomAD. In silico models agree that this variant is not damaging. In conclusion, we classify CFI p.Met204Ile (c.612G>A) as a variant of unknown significance.

Revvity Omics, Revvity
Classification: Uncertain significance for Factor I deficiency. Last evaluated: 2025-06-10. Review status: criteria provided, single submitter. Criteria: ACMG Guidelines, 2015. Collection method: clinical testing. Allele origin: germline.

Labcorp Genetics (formerly Invitae), Labcorp
Classification: Uncertain significance. Last evaluated: 2025-01-29. Review status: criteria provided, single submitter. Criteria: Invitae Variant Classification Sherloc (09022015). Collection method: clinical testing. Allele origin: germline.
Comment: This sequence change replaces methionine, which is neutral and non-polar, with isoleucine, which is neutral and non-polar, at codon 204 of the CFI protein (p.Met204Ile). This variant is present in population databases (rs150082318, gnomAD 0.01%). This missense change has been observed in individual(s) with atypical hemolytic uremic syndrome (PMID: 27268256). ClinVar contains an entry for this variant (Variation ID: 2203562). Invitae Evidence Modeling of protein sequence and biophysical properties (such as structural, functional, and spatial information, amino acid conservation, physicochemical variation, residue mobility, and thermodynamic stability) indicates that this missense variant is not expected to disrupt CFI protein function with a negative predictive value of 80%. In summary, the available evidence is currently insufficient to determine the role of this variant in disease. Therefore, it has been classified as a Variant of Uncertain Significance.

Fulgent Genetics
Classification: Uncertain significance for Factor I deficiency; Atypical hemolytic-uremic syndrome with I factor anomaly; Age related macular degeneration 13. Last evaluated: 2024-05-08. Review status: criteria provided, single submitter. Criteria: ACMG Guidelines, 2015. Collection method: clinical testing. Allele origin: germline.

Literature cited by the submitters: PubMed 27268256 (cited by Genomenon, Inc and Labcorp Genetics (formerly Invitae), Labcorp).